The following is an entry in ClinVar:

ClinVar aggregate classification (germline): Uncertain significance (1 of 4 stars; one submission).

Conditions:
Inborn genetic diseases. Identifiers: MedGen C0950123, MeSH D030342.

Submission:

Ambry Genetics
Classification: Uncertain significance for Inborn genetic diseases. Last evaluated: 2022-04-03. Review status: criteria provided, single submitter. Criteria: Ambry Variant Classification Scheme 2023. Collection method: clinical testing. Allele origin: germline.
Comment: The p.D500V variant (also known as c.1499A>T), located in coding exon 16 of the ERCC2 gene, results from an A to T substitution at nucleotide position 1499. The aspartic acid at codon 500 is replaced by valine, an amino acid with highly dissimilar properties. This amino acid position is conserved. In addition, this alteration is predicted to be deleterious by in silico analysis. Since supporting evidence is limited at this time, the clinical significance of this alteration remains unclear.

NM_000400.4(ERCC2):c.1499A>T (p.Asp500Val)

Gene: ERCC2 (ERCC excision repair 2, TFIIH core complex helicase subunit; minus strand). Cytogenetic location: 19q13.32.
Variant type: single nucleotide variant.
Coding change: c.1499A>T on transcript NM_000400.4 (MANE Select); coding-DNA position 1499, A replaced by T.
Protein change: p.Asp500Val; replaces aspartic acid 500 with valine.
Molecular consequence: missense variant.
Genome position (GRCh38, 1-based): chr19:45,355,709, T>A on the plus strand (A>T on the coding strand, the complement: ERCC2 is on the minus strand). VCF-style: chr19-45355709-T-A. GRCh37 (hg19) VCF-style: chr19-45858967-T-A.
Other names: short protein forms D500V.
Identifiers: ClinVar variation 1773934 (VCV001773934.2), dbSNP rs2514008506, ClinGen allele CA406365935.